The following is an entry in ClinVar:

ClinVar aggregate classification (germline): Uncertain significance. Review status: criteria provided, multiple submitters, no conflicts (2 of 4 stars). 2 submissions from 2 submitters: Uncertain significance (2). Last evaluated 2025-05-27.

Conditions:
Tuberous sclerosis 2 (TSC2). Identifiers: Orphanet 805, MedGen C1860707, MONDO:0013199, OMIM 613254.
Hereditary cancer-predisposing syndrome. Also called: Hereditary Cancer Syndrome; Neoplastic Syndromes, Hereditary; Hereditary neoplastic syndrome; Tumor predisposition. Identifiers: Orphanet 140162, MedGen C0027672, MeSH D009386, MONDO:0015356.

Allele frequency attached by ClinVar (database versions not stated): TOPMed below 0.00001; gnomAD 0.00001.
gnomAD v4.1: 1 of 1,613,874 alleles (0.000062%); highest among the groups gnomAD compares: Non-Finnish European, 0.000085%; no homozygotes.

Submissions (2):

Ambry Genetics
Classification: Uncertain significance for Hereditary cancer-predisposing syndrome. Last evaluated: 2025-05-27. Review status: criteria provided, single submitter. Criteria: Ambry Variant Classification Scheme 2023. Collection method: clinical testing. Allele origin: germline.
Comment: The p.K347E variant (also known as c.1039A>G), located in coding exon 10 of the TSC2 gene, results from an A to G substitution at nucleotide position 1039. The lysine at codon 347 is replaced by glutamic acid, an amino acid with similar properties. This amino acid position is highly conserved in available vertebrate species. In addition, this alteration is predicted to be deleterious by in silico analysis. Since supporting evidence is limited at this time, the clinical significance of this alteration remains unclear.

Labcorp Genetics (formerly Invitae), Labcorp
Classification: Uncertain significance for Tuberous sclerosis 2. Last evaluated: 2021-05-10. Review status: criteria provided, single submitter. Criteria: Invitae Variant Classification Sherloc (09022015). Collection method: clinical testing. Allele origin: germline.
Comment: This variant is not present in population databases (ExAC no frequency). This sequence change replaces lysine with glutamic acid at codon 347 of the TSC2 protein (p.Lys347Glu). The lysine residue is highly conserved and there is a small physicochemical difference between lysine and glutamic acid. This variant has not been reported in the literature in individuals with TSC2-related conditions. ClinVar contains an entry for this variant (Variation ID: 822067). Advanced modeling of protein sequence and biophysical properties (such as structural, functional, and spatial information, amino acid conservation, physicochemical variation, residue mobility, and thermodynamic stability) performed at Invitae indicates that this missense variant is not expected to disrupt TSC2 protein function. In summary, the available evidence is currently insufficient to determine the role of this variant in disease. Therefore, it has been classified as a Variant of Uncertain Significance.

NM_000548.5(TSC2):c.1039A>G (p.Lys347Glu)

Gene: TSC2 (TSC complex subunit 2; plus strand). Cytogenetic location: 16p13.3.
Variant type: single nucleotide variant.
Coding change: c.1039A>G on transcript NM_000548.5 (MANE Select); coding-DNA position 1039, A replaced by G.
Protein change: p.Lys347Glu; replaces lysine 347 with glutamic acid.
Molecular consequence: missense variant.
Genome position (GRCh38, 1-based): chr16:2,060,733, A>G. VCF-style: chr16-2060733-A-G. GRCh37 (hg19) VCF-style: chr16-2110734-A-G.
Other names: c.1039A>G, p.Lys347Glu (NM_001077183.3, NM_001114382.3, NM_001363528.2 and 3 more transcripts); c.928A>G, p.Lys310Glu (NM_001318827.2); c.892A>G, p.Lys298Glu (NM_001318829.2); c.439A>G, p.Lys147Glu (NM_001318831.2); c.1072A>G, p.Lys358Glu (NM_001318832.2); short protein forms K147E, K298E, K310E, K358E, K347E.
Identifiers: ClinVar variation 822067 (VCV000822067.13), dbSNP rs1337295642, ClinGen allele CA394317709.